The following is an entry in ClinVar:

NM_000059.4(BRCA2):c.9845dup (p.Val3283fs)

Gene: BRCA2 (BRCA2 DNA repair associated; plus strand). Cytogenetic location: 13q13.1.
Variant type: Duplication.
Coding change: c.9845dup on transcript NM_000059.4 (MANE Select); coding-DNA position 9845, one base duplicated (C; older notation c.9845dupC).
Protein change: p.Val3283fs; shifts the reading frame from valine 3283.
Molecular consequence: frameshift variant. On other transcripts: non-coding transcript variant (1).
Genome position (GRCh38, 1-based): chr13:32,398,358, C duplicated; the last of 2 consecutive C bases (chr13:32,398,357-32,398,358); duplicating either gives the same sequence. VCF-style (leftmost placement, unchanged base first): chr13-32398356-A-AC. GRCh37 (hg19) VCF-style: chr13-32972493-A-AC.
Other names: c.9845dupC (NM_000059.3); c.9749dup, p.Val3251fs (NM_001406719.1); c.9794dup, p.Val3266fs (NM_001406720.1); c.4913dup, p.Val1639fs (NM_001406721.1); c.3428dup, p.Val1144fs (NM_001406722.1); c.9845dup, p.Val3283fs (NM_001432077.1); short protein forms V1144fs, V1639fs, V3251fs, V3266fs, V3283fs.
Identifiers: ClinVar variation 4867811 (VCV004867811.1).

ClinVar aggregate classification (germline): Pathogenic (1 of 4 stars; one submission).

Conditions:
Hereditary cancer-predisposing syndrome. Also called: Neoplastic Syndromes, Hereditary; Tumor predisposition; Hereditary Cancer Syndrome; Hereditary neoplastic syndrome. Identifiers: Orphanet 140162, MedGen C0027672, MeSH D009386, MONDO:0015356.

Submission:

Ambry Genetics
Classification: Pathogenic for Hereditary cancer-predisposing syndrome. Last evaluated: 2026-04-14. Review status: criteria provided, single submitter. Criteria: Ambry Variant Classification Scheme 2023. Collection method: clinical testing. Allele origin: germline.
Comment: The c.9845dupC pathogenic mutation, located in coding exon 26 of the BRCA2 gene, results from a duplication of C at nucleotide position 9845, causing a translational frameshift with a predicted alternate stop codon (p.V3283Cfs*2). This variant occurs at the 3' terminus of the gene, is not expected to trigger nonsense-mediated mRNA decay, and impacts the last 4% of the protein. However, premature stop codons are typically deleterious in nature and the impacted region is critical for protein function (Ambry internal data). This variant is considered to be rare based on population cohorts in the Genome Aggregation Database (gnomAD). Based on the supporting evidence, this variant is interpreted as a disease-causing mutation.